The following is an entry in ClinVar:

NM_199420.4(POLQ):c.6539G>C (p.Ser2180Thr)

Gene: POLQ (DNA polymerase theta; minus strand). Cytogenetic location: 3q13.33.
Variant type: single nucleotide variant.
Coding change: c.6539G>C on transcript NM_199420.4 (MANE Select); coding-DNA position 6539, G replaced by C.
Protein change: p.Ser2180Thr; replaces serine 2180 with threonine.
Molecular consequence: missense variant.
Genome position (GRCh38, 1-based): chr3:121,473,354, C>G on the plus strand (G>C on the coding strand, the complement: POLQ is on the minus strand). VCF-style: chr3-121473354-C-G. GRCh37 (hg19) VCF-style: chr3-121192201-C-G.
Other names: short protein forms S2180T.
Identifiers: ClinVar variation 1754090 (VCV001754090.2), dbSNP rs765192505, ClinGen allele CA354085758.

ClinVar aggregate classification (germline): Uncertain significance (1 of 4 stars; one submission).

Submission:

Ambry Genetics
Classification: Uncertain significance. Last evaluated: 2022-01-31. Review status: criteria provided, single submitter. Criteria: Ambry Variant Classification Scheme 2023. Collection method: clinical testing. Allele origin: germline.
Comment: The p.S2180T variant (also known as c.6539G>C), located in coding exon 21 of the POLQ gene, results from a G to C substitution at nucleotide position 6539. The serine at codon 2180 is replaced by threonine, an amino acid with similar properties. This amino acid position is conserved. In addition, this alteration is predicted to be tolerated by in silico analysis. Since supporting evidence is limited at this time, the clinical significance of this alteration remains unclear.